The following is an entry in ClinVar:

NM_025243.4(SLC19A3):c.779A>G (p.Asp260Gly)

Gene: SLC19A3 (solute carrier family 19 member 3; minus strand). Cytogenetic location: 2q36.3.
Variant type: single nucleotide variant.
Coding change: c.779A>G on transcript NM_025243.4 (MANE Select); coding-DNA position 779, A replaced by G.
Protein change: p.Asp260Gly; replaces aspartic acid 260 with glycine.
Molecular consequence: missense variant.
Genome position (GRCh38, 1-based): chr2:227,698,936, T>C on the plus strand (A>G on the coding strand, the complement: SLC19A3 is on the minus strand). VCF-style: chr2-227698936-T-C. GRCh37 (hg19) VCF-style: chr2-228563652-T-C.
Other names: c.779A>G, p.Asp260Gly (NM_001371411.1, NM_001371412.1); c.767A>G, p.Asp256Gly (NM_001371413.1, NM_001371414.1); short protein forms D256G, D260G.
Identifiers: ClinVar variation 1517595 (VCV001517595.6), dbSNP rs371155923, ClinGen allele CA350876496.

ClinVar aggregate classification (germline): Uncertain significance (1 of 4 stars; one submission).

Conditions:
Biotin-responsive basal ganglia disease (BTBGD). Also called: Thiamine metabolism dysfunction syndrome 2 (biotin- or thiamine-responsive encephalopathy type 2); thiamine-responsive encephalopathy; Thiamine Transporter-2 Deficiency; Thiamine metabolism dysfunction syndrome type 2; THIAMINE METABOLISM DYSFUNCTION SYNDROME 2 (BIOTIN- AND THIAMINE-RESPONSIVE TYPE). Identifiers: Orphanet 199348, Orphanet 65284, MedGen C1843807, MONDO:0011841, OMIM 607483.

Submission:

Labcorp Genetics (formerly Invitae), Labcorp
Classification: Uncertain significance for Biotin-responsive basal ganglia disease. Last evaluated: 2022-02-10. Review status: criteria provided, single submitter. Criteria: Invitae Variant Classification Sherloc (09022015). Collection method: clinical testing. Allele origin: germline.
Comment: Advanced modeling of protein sequence and biophysical properties (such as structural, functional, and spatial information, amino acid conservation, physicochemical variation, residue mobility, and thermodynamic stability) performed at Invitae indicates that this missense variant is not expected to disrupt SLC19A3 protein function. This sequence change replaces aspartic acid, which is acidic and polar, with glycine, which is neutral and non-polar, at codon 260 of the SLC19A3 protein (p.Asp260Gly). This variant is not present in population databases (gnomAD no frequency). This variant has not been reported in the literature in individuals affected with SLC19A3-related conditions. In summary, the available evidence is currently insufficient to determine the role of this variant in disease. Therefore, it has been classified as a Variant of Uncertain Significance.